The following is an entry in ClinVar:

NM_001854.4(COL11A1):c.5187C>A (p.Asp1729Glu)

Genes: COL11A1 (collagen type XI alpha 1 chain; minus strand), LOC126805814 (P300/CBP strongly-dependent group 1 enhancer GRCh37_chr1:103344928-103346127; plus strand). Cytogenetic location: 1p21.1.
Variant type: single nucleotide variant.
Coding change: c.5187C>A on transcript NM_001854.4 (MANE Select); coding-DNA position 5187, C replaced by A.
Protein change: p.Asp1729Glu; replaces aspartic acid 1729 with glutamic acid.
Molecular consequence: missense variant. On other transcripts: non-coding transcript variant (1).
Genome position (GRCh38, 1-based): chr1:102,879,770, G>T on the plus strand (C>A on the coding strand, the complement: COL11A1 is on the minus strand). VCF-style: chr1-102879770-G-T. GRCh37 (hg19) VCF-style: chr1-103345326-G-T.
Other names: c.5070C>A, p.Asp1690Glu (NM_001190709.2); c.5223C>A, p.Asp1741Glu (NM_080629.3); c.4839C>A, p.Asp1613Glu (NM_080630.4); short protein forms D1690E, D1613E, D1729E, D1741E.
Identifiers: ClinVar variation 3706553 (VCV003706553.2).
Genomic context (GRCh38, chr1:102,879,770, plus strand): 5'-AAAAGGATTATTGTCATAGGACATCTCCTCATCATTTGATCCCAGGAAGCGAAGTGCTTT[G>T]TCATAACTTCCTGATGACACATCATACCAGGCTGCTGACTGATGACAGTGGTAGGTGAAA-3'
Protein context (NP_001845.3, residues 1719-1739): AWYDVSSGSY[Asp1729Glu]KALRFLGSND

ClinVar aggregate classification (germline): Uncertain significance (1 of 4 stars; one submission).

Submission:

Labcorp Genetics (formerly Invitae), Labcorp
Classification: Uncertain significance. Last evaluated: 2024-02-22. Review status: criteria provided, single submitter. Criteria: Invitae Variant Classification Sherloc (09022015). Collection method: clinical testing. Allele origin: germline.
Comment: This sequence change replaces aspartic acid, which is acidic and polar, with glutamic acid, which is acidic and polar, at codon 1729 of the COL11A1 protein (p.Asp1729Glu). This variant is not present in population databases (gnomAD no frequency). This variant has not been reported in the literature in individuals affected with COL11A1-related conditions. Advanced modeling of protein sequence and biophysical properties (such as structural, functional, and spatial information, amino acid conservation, physicochemical variation, residue mobility, and thermodynamic stability) performed at Invitae indicates that this missense variant is not expected to disrupt COL11A1 protein function with a negative predictive value of 95%. In summary, the available evidence is currently insufficient to determine the role of this variant in disease. Therefore, it has been classified as a Variant of Uncertain Significance.